The following is an entry in ClinVar:

ClinVar aggregate classification (germline): Uncertain significance (1 of 4 stars; one submission).

Conditions:
Neurofibromatosis, type 2 (SWNV). Also called: BILATERAL ACOUSTIC NEUROFIBROMATOSIS; SCHWANNOMATOSIS, VESTIBULAR; NF2-Related Schwannomatosis. Identifiers: Orphanet 637, MedGen C0027832, MONDO:0007039, OMIM 101000. Disease mechanism: loss of function.

Submission:

Labcorp Genetics (formerly Invitae), Labcorp
Classification: Uncertain significance for Neurofibromatosis, type 2. Last evaluated: 2023-11-17. Review status: criteria provided, single submitter. Criteria: Invitae Variant Classification Sherloc (09022015). Collection method: clinical testing. Allele origin: germline.
Comment: This sequence change replaces lysine, which is basic and polar, with glutamine, which is neutral and polar, at codon 289 of the NF2 protein (p.Lys289Gln). This variant is not present in population databases (gnomAD no frequency). This variant has not been reported in the literature in individuals affected with NF2-related conditions. Advanced modeling of protein sequence and biophysical properties (such as structural, functional, and spatial information, amino acid conservation, physicochemical variation, residue mobility, and thermodynamic stability) performed at Invitae indicates that this missense variant is not expected to disrupt NF2 protein function with a negative predictive value of 80%. In summary, the available evidence is currently insufficient to determine the role of this variant in disease. Therefore, it has been classified as a Variant of Uncertain Significance.

NM_000268.4(NF2):c.865A>C (p.Lys289Gln)

Gene: NF2 (NF2, moesin-ezrin-radixin like (MERLIN) tumor suppressor; plus strand). Cytogenetic location: 22q12.2.
Variant type: single nucleotide variant.
Coding change: c.865A>C on transcript NM_000268.4 (MANE Select); coding-DNA position 865, A replaced by C.
Protein change: p.Lys289Gln; replaces lysine 289 with glutamine.
Molecular consequence: missense variant. On other transcripts: non-coding transcript variant (1), intron variant (1).
Genome position (GRCh38, 1-based): chr22:29,665,044, A>C. VCF-style: chr22-29665044-A-C. GRCh37 (hg19) VCF-style: chr22-30061033-A-C.
Other names: c.751A>C, p.Lys251Gln (NM_001407053.1, NM_001407056.1); c.742A>C, p.Lys248Gln (NM_001407054.1, NM_001407058.1, NM_181829.3); c.739A>C, p.Lys247Gln (NM_001407055.1, NM_181828.3); c.730A>C, p.Lys244Gln (NM_001407057.1, NM_001407059.1); c.865A>C, p.Lys289Gln (NM_001407060.1, NM_001407066.1, NM_016418.5 and 2 more transcripts); c.607A>C, p.Lys203Gln (NM_001407062.1); c.616A>C, p.Lys206Gln (NM_001407063.1, NM_001407064.1, NM_181830.3 and 1 more transcripts); c.331A>C, p.Lys111Gln (NM_001407065.1); and 2 more; short protein forms K206Q, K248Q, K251Q, K244Q, K247Q, K212Q, K289Q, K111Q.
Identifiers: ClinVar variation 2696707 (VCV002696707.3), dbSNP rs2518624367, ClinGen allele CA411144736.
Genomic context (GRCh38, chr22:29,665,044, plus strand): 5'-TTCCAGTTTACTATTAAACCACTGGATAAGAAAATTGATGTCTTCAAGTTTAACTCCTCA[A>C]AGCTTCGTGTTAATAAGCTGGTAAGTTGAGATCCTGGTTTTCATTACTGATAATGGTAGC-3'
Protein context (NP_000259.1, residues 279-299): KIDVFKFNSS[Lys289Gln]LRVNKLILQL